The following is an entry in ClinVar:

NM_001378902.1(ROS1):c.3375C>A (p.Ala1125=)

Gene: ROS1 (ROS proto-oncogene 1, receptor tyrosine kinase; minus strand). Cytogenetic location: 6q22.1.
Variant type: single nucleotide variant.
Coding change: c.3375C>A on transcript NM_001378902.1 (MANE Select); coding-DNA position 3375, C replaced by A.
Protein change: p.Ala1125=; no amino-acid change (alanine 1125 retained).
Molecular consequence: synonymous variant.
Genome position (GRCh38, 1-based): chr6:117,360,397, G>T on the plus strand (C>A on the coding strand, the complement: ROS1 is on the minus strand). VCF-style: chr6-117360397-G-T. GRCh37 (hg19) VCF-style: chr6-117681560-G-T.
Other names: c.3378C>A, p.Ala1126= (NM_001378891.1); c.3390C>A, p.Ala1130= (NM_002944.3).
Identifiers: ClinVar variation 792050 (VCV000792050.4), dbSNP rs140639104, ClinGen allele CA3974987.

ClinVar aggregate classification (germline): Benign/Likely benign. Review status: criteria provided, multiple submitters, no conflicts (2 of 4 stars). 2 submissions from 2 submitters: Benign (1); Likely benign (1). Last evaluated 2026-07-01.

Allele frequency attached by ClinVar (database versions not stated): gnomAD exomes 0.00026 and 0.00069; ExAC 0.00086; 1000 Genomes Project 30x 0.00234; 1000 Genomes Project 0.00240; gnomAD 0.00275 and 0.00296; ESP Exome Variant Server 0.00284; TOPMed 0.00320.
gnomAD v4.1: 805 of 1,612,740 alleles (0.05%); highest among the groups gnomAD compares: African/African-American, 0.97%; 3 homozygotes.

Submissions (2):

CeGaT Center for Human Genetics Tuebingen
Classification: Likely benign. Last evaluated: 2026-07-01. Review status: criteria provided, single submitter. Criteria: CeGaT Center For Human Genetics Tuebingen Variant Classification Criteria Version 2. Collection method: clinical testing. Allele origin: germline. Affected: yes. Observed: 1 variant allele.
Comment: ROS1: BP4, BP7

Labcorp Genetics (formerly Invitae), Labcorp
Classification: Benign. Last evaluated: 2018-05-31. Review status: criteria provided, single submitter. Criteria: Invitae Variant Classification Sherloc (09022015). Collection method: clinical testing. Allele origin: germline.